The following is an entry in ClinVar:

ClinVar aggregate classification (germline): Uncertain significance. Review status: criteria provided, multiple submitters, no conflicts (2 of 4 stars). 3 submissions from 3 submitters: Uncertain significance (3). Last evaluated 2025-01-23.

Conditions:
Inborn genetic diseases. Identifiers: MedGen C0950123, MeSH D030342.

Allele frequency attached by ClinVar (database versions not stated): gnomAD exomes below 0.00001; ExAC 0.00002; TOPMed 0.00002.
gnomAD v4.1: 6 of 1,573,800 alleles (0.00038%); highest among the groups gnomAD compares: Admixed American, 0.0058%; no homozygotes.

Submissions (3):

Ambry Genetics
Classification: Uncertain significance for Inborn genetic diseases. Last evaluated: 2025-01-23. Review status: criteria provided, single submitter. Criteria: Ambry Variant Classification Scheme 2023. Collection method: clinical testing. Allele origin: germline.

Labcorp Genetics (formerly Invitae), Labcorp
Classification: Uncertain significance. Last evaluated: 2024-10-28. Review status: criteria provided, single submitter. Criteria: Invitae Variant Classification Sherloc (09022015). Collection method: clinical testing. Allele origin: germline.
Comment: This sequence change replaces arginine, which is basic and polar, with cysteine, which is neutral and slightly polar, at codon 1355 of the KIDINS220 protein (p.Arg1355Cys). This variant is present in population databases (rs756204802, gnomAD 0.008%). This variant has not been reported in the literature in individuals affected with KIDINS220-related conditions. ClinVar contains an entry for this variant (Variation ID: 1878864). An algorithm developed to predict the effect of missense changes on protein structure and function (PolyPhen-2) suggests that this variant is likely to be disruptive. In summary, the available evidence is currently insufficient to determine the role of this variant in disease. Therefore, it has been classified as a Variant of Uncertain Significance.

GeneDx
Classification: Uncertain significance. Last evaluated: 2022-07-13. Review status: criteria provided, single submitter. Criteria: GeneDx Variant Classification Process June 2021. Collection method: clinical testing. Allele origin: germline. Affected: yes.
Comment: In silico analysis supports that this missense variant does not alter protein structure/function; Has not been previously published as pathogenic or benign to our knowledge

NM_020738.4(KIDINS220):c.4063C>T (p.Arg1355Cys)

Gene: KIDINS220 (kinase D interacting substrate 220; minus strand). Cytogenetic location: 2p25.1.
Variant type: single nucleotide variant.
Coding change: c.4063C>T on transcript NM_020738.4 (MANE Select); coding-DNA position 4063, C replaced by T.
Protein change: p.Arg1355Cys; replaces arginine 1355 with cysteine.
Molecular consequence: missense variant. On other transcripts: intron variant (6).
Genome position (GRCh38, 1-based): chr2:8,731,973, G>A on the plus strand (C>T on the coding strand, the complement: KIDINS220 is on the minus strand). VCF-style: chr2-8731973-G-A. GRCh37 (hg19) VCF-style: chr2-8872103-G-A.
Other names: c.4066C>T, p.Arg1356Cys (NM_001348729.2); c.4009C>T, p.Arg1337Cys (NM_001348731.2); c.4006C>T, p.Arg1336Cys (NM_001348732.2); c.3895C>T, p.Arg1299Cys (NM_001348734.2); c.3892C>T, p.Arg1298Cys (NM_001348735.2); c.3766C>T, p.Arg1256Cys (NM_001348736.2); c.3882+1471C>T (NM_001348741.2, NM_001348742.2, NM_001348743.2); c.3996+1471C>T (NM_001348738.2); and 1 more; short protein forms R1256C, R1298C, R1299C, R1336C, R1337C, R1355C, R1356C.
Identifiers: ClinVar variation 1878864 (VCV001878864.7), dbSNP rs756204802, ClinGen allele CA1519426.